The following is an entry in ClinVar:

ClinVar aggregate classification (germline): Uncertain significance (1 of 4 stars; one submission).

gnomAD v4.1: 9 of 1,614,018 alleles (0.00056%); highest among the groups gnomAD compares: South Asian, 0.0044%; no homozygotes.

Submission:

Labcorp Genetics (formerly Invitae), Labcorp
Classification: Uncertain significance. Last evaluated: 2024-03-12. Review status: criteria provided, single submitter. Criteria: Invitae Variant Classification Sherloc (09022015). Collection method: clinical testing. Allele origin: germline.
Comment: This sequence change affects codon 301 of the P2RX2 mRNA. It is a 'silent' change, meaning that it does not change the encoded amino acid sequence of the P2RX2 protein. This variant is present in population databases (no rsID available, gnomAD 0.003%). This variant has not been reported in the literature in individuals affected with P2RX2-related conditions. Algorithms developed to predict the effect of sequence changes on RNA splicing suggest that this variant may disrupt the consensus splice site. In summary, the available evidence is currently insufficient to determine the role of this variant in disease. Therefore, it has been classified as a Variant of Uncertain Significance.

NM_170682.4(P2RX2):c.903C>T (p.Phe301=)

Gene: P2RX2 (purinergic receptor P2X 2; plus strand). Cytogenetic location: 12q24.33.
Variant type: single nucleotide variant.
Coding change: c.903C>T on transcript NM_170682.4 (MANE Select); coding-DNA position 903, C replaced by T.
Protein change: p.Phe301=; no amino-acid change (phenylalanine 301 retained).
Molecular consequence: synonymous variant.
Genome position (GRCh38, 1-based): chr12:132,621,129, C>T. VCF-style: chr12-132621129-C-T. GRCh37 (hg19) VCF-style: chr12-133197715-C-T.
Other names: c.801C>T, p.Phe267= (NM_001282164.2); c.903C>T, p.Phe301= (NM_001282165.2, NM_170683.4, NM_174873.3); c.687C>T, p.Phe229= (NM_012226.5); c.831C>T, p.Phe277= (NM_016318.4); c.627C>T, p.Phe209= (NM_174872.3).
Identifiers: ClinVar variation 3711190 (VCV003711190.2).